The following is an entry in ClinVar:

ClinVar aggregate classification (germline): Uncertain significance (1 of 4 stars; one submission).

Submission:

Ambry Genetics
Classification: Uncertain significance. Last evaluated: 2024-11-26. Review status: criteria provided, single submitter. Criteria: Ambry Variant Classification Scheme 2023. Collection method: clinical testing. Allele origin: germline.
Comment: The p.E1610G variant (also known as c.4829A>G), located in coding exon 19 of the WNK2 gene, results from an A to G substitution at nucleotide position 4829. The glutamic acid at codon 1610 is replaced by glycine, an amino acid with similar properties. This amino acid position is conserved. In addition, this alteration is predicted to be tolerated by in silico analysis. Based on the available evidence, the clinical significance of this variant remains unclear.

NM_006648.4(WNK2):c.4829A>G (p.Glu1610Gly)

Gene: WNK2 (WNK lysine deficient protein kinase 2; plus strand). Cytogenetic location: 9q22.31.
Variant type: single nucleotide variant.
Coding change: c.4829A>G on transcript NM_006648.4 (MANE Select); coding-DNA position 4829, A replaced by G.
Protein change: p.Glu1610Gly; replaces glutamic acid 1610 with glycine.
Molecular consequence: missense variant.
Genome position (GRCh38, 1-based): chr9:93,289,583, A>G. VCF-style: chr9-93289583-A-G. GRCh37 (hg19) VCF-style: chr9-96051865-A-G.
Other names: c.4940A>G, p.Glu1647Gly (NM_001282394.3); short protein forms E1610G, E1647G.
Identifiers: ClinVar variation 3470460 (VCV003470460.1).
Genomic context (GRCh38, chr9:93,289,583, plus strand): 5'-GGGACCAGCCCCGCTCAGAGGTCTGCGGGGGGGACCTGGCCCTGCCCCCAGTGCCTAAGG[A>G]GGCGGTCTCAGGGCGTGTCCAGCTGCCCCAGCCCTTGGTGAGTAGCTGCCTTGTCCCAGA-3'
Protein context (NP_006639.3, residues 1600-1620): GDLALPPVPK[Glu1610Gly]AVSGRVQLPQ